The following is an entry in ClinVar:

ClinVar aggregate classification (germline): Conflicting classifications of pathogenicity. Review status: criteria provided, conflicting classifications (1 of 4 stars). 4 submissions from 4 submitters: Uncertain significance (3); Benign (1). Last evaluated 2024-11-12.

Conditions:
CHARGE syndrome (CHARGE). Also called: Coloboma, heart anomaly, choanal atresia, retardation, genital and ear anomalies; CHARGE association; Hall-Hittner syndrome; Hittner Hirsch Kreh syndrome; CHARGE ASSOCIATION--COLOBOMA, HEART ANOMALY, CHOANAL ATRESIA, RETARDATION, GENITAL AND EAR ANOMALIES. Identifiers: Orphanet 138, MedGen C0265354, MONDO:0008965.
Hypogonadotropic hypogonadism 5 with or without anosmia (KAL5). Also called: HYPOGONADOTROPIC HYPOGONADISM 5 WITH ANOSMIA; HYPOGONADOTROPHIC HYPOGONADISM 5 WITHOUT ANOSMIA; CHD7-Related GnRH Deficiency (Kallmann Syndrome 5). Identifiers: Orphanet 478, MedGen C3552553, MONDO:0012880, OMIM 612370. Disease mechanism: loss of function.
CHD7-related disorder. Also called: CHD7-related condition.
Inborn genetic diseases. Identifiers: MedGen C0950123, MeSH D030342.

Allele frequency attached by ClinVar (database versions not stated): ExAC 0.00001; gnomAD 0.00001 and 0.00002; gnomAD exomes 0.00001 and 0.00002; TOPMed 0.00001; 1000 Genomes Project 30x 0.00016; 1000 Genomes Project 0.00020.
gnomAD v4.1: 8 of 1,613,986 alleles (0.0005%); highest among the groups gnomAD compares: East Asian, 0.0089%; no homozygotes.

Submissions (4):

PreventionGenetics, part of Exact Sciences
Classification: Uncertain significance for CHD7-related condition. Last evaluated: 2024-11-12. Review status: criteria provided, single submitter. Criteria: ACMG Guidelines, 2015. Collection method: clinical testing. Allele origin: germline.
Comment: The CHD7 c.702C>G variant is predicted to result in the amino acid substitution p.His234Gln. To our knowledge, this variant has not been reported in the literature. This variant is reported in 0.022% of alleles in individuals of East Asian descent in gnomAD. Although we suspect that this variant may be benign, at this time, the clinical significance of this variant is uncertain due to the absence of conclusive functional and genetic evidence.

Fulgent Genetics
Classification: Uncertain significance for CHD7-related CHARGE syndrome; Hypogonadotropic hypogonadism 5 with or without anosmia. Last evaluated: 2024-05-24. Review status: criteria provided, single submitter. Criteria: ACMG Guidelines, 2015. Collection method: clinical testing. Allele origin: germline.

Labcorp Genetics (formerly Invitae), Labcorp
Classification: Benign for CHARGE syndrome. Last evaluated: 2024-03-05. Review status: criteria provided, single submitter. Criteria: Invitae Variant Classification Sherloc (09022015). Collection method: clinical testing. Allele origin: germline.

Ambry Genetics
Classification: Uncertain significance for Inborn genetic diseases. Last evaluated: 2023-10-10. Review status: criteria provided, single submitter. Criteria: Ambry Variant Classification Scheme 2023. Collection method: clinical testing. Allele origin: germline.

NM_017780.4(CHD7):c.702C>G (p.His234Gln)

Gene: CHD7 (chromodomain helicase DNA binding protein 7; plus strand). Cytogenetic location: 8q12.2.
Variant type: single nucleotide variant.
Coding change: c.702C>G on transcript NM_017780.4 (MANE Select); coding-DNA position 702, C replaced by G.
Protein change: p.His234Gln; replaces histidine 234 with glutamine.
Molecular consequence: missense variant.
Genome position (GRCh38, 1-based): chr8:60,742,134, C>G. VCF-style: chr8-60742134-C-G. GRCh37 (hg19) VCF-style: chr8-61654693-C-G.
Other names: c.702C>G, p.His234Gln (NM_001316690.1); short protein forms H234Q.
Identifiers: ClinVar variation 663974 (VCV000663974.13), dbSNP rs565216093, ClinGen allele CA4759362.